The following is an entry in ClinVar:

NM_001127222.2(CACNA1A):c.3593A>G (p.Glu1198Gly)

Gene: CACNA1A (calcium voltage-gated channel subunit alpha1 A; minus strand). Cytogenetic location: 19p13.13.
Variant type: single nucleotide variant.
Coding change: c.3593A>G on transcript NM_001127222.2 (MANE Select); coding-DNA position 3593, A replaced by G.
Protein change: p.Glu1198Gly; replaces glutamic acid 1198 with glycine.
Molecular consequence: missense variant.
Genome position (GRCh38, 1-based): chr19:13,285,167, T>C on the plus strand (A>G on the coding strand, the complement: CACNA1A is on the minus strand). VCF-style: chr19-13285167-T-C. GRCh37 (hg19) VCF-style: chr19-13395981-T-C.
Other names: c.3605A>G, p.Glu1202Gly (NM_000068.4, NM_023035.3); c.3596A>G, p.Glu1199Gly (NM_001127221.2, NM_001174080.2); short protein forms E1198G, E1199G, E1202G.
Identifiers: ClinVar variation 3365237 (VCV003365237.3).

ClinVar aggregate classification (germline): Conflicting classifications of pathogenicity. Review status: criteria provided, conflicting classifications (1 of 4 stars). 2 submissions from 2 submitters: Uncertain significance (1); Likely benign (1). Last evaluated 2025-12-28.

Conditions:
Developmental and epileptic encephalopathy, 42 (DEE42A). Also called: DEVELOPMENTAL AND EPILEPTIC ENCEPHALOPATHY 42A; EPILEPTIC ENCEPHALOPATHY, EARLY INFANTILE, 42A; Epileptic encephalopathy, early infantile, 42. Identifiers: MedGen C4310716, MONDO:0014917, OMIM 617106.
Episodic ataxia type 2 (EA2). Also called: ATAXIA, EPISODIC, WITH NYSTAGMUS; ATAXIA, FAMILIAL PAROXYSMAL; CEREBELLAR ATAXIA, PAROXYSMAL, ACETAZOLAMIDE-RESPONSIVE; CEREBELLOPATHY, HEREDITARY PAROXYSMAL; EPISODIC ATAXIA, NYSTAGMUS-ASSOCIATED; ACETAZOLAMIDE-RESPONSIVE HEREDITARY PAROXYSMAL CEREBELLAR ATAXIA. Identifiers: Orphanet 97, MedGen C1720416, MONDO:0007163, OMIM 108500.

gnomAD v4.1: 1 of 1,613,976 alleles (0.000062%); highest among the groups gnomAD compares: Admixed American, 0.0017%; no homozygotes.

Submissions (2):

Labcorp Genetics (formerly Invitae), Labcorp
Classification: Likely benign for Developmental and epileptic encephalopathy, 42; Episodic ataxia type 2. Last evaluated: 2025-12-28. Review status: criteria provided, single submitter. Criteria: Invitae Variant Classification Sherloc (09022015). Collection method: clinical testing. Allele origin: germline.

GeneDx
Classification: Uncertain significance. Last evaluated: 2025-08-27. Review status: criteria provided, single submitter. Criteria: GeneDx Variant Classification Process June 2021. Collection method: clinical testing. Allele origin: germline.
Comment: Not observed at significant frequency in large population cohorts (gnomAD); In silico analysis supports that this missense variant has a deleterious effect on protein structure/function; Has not been previously published as pathogenic or benign to our knowledge